The following is an entry in ClinVar:

ClinVar aggregate classification (germline): Uncertain significance (1 of 4 stars; one submission).

Submission:

Labcorp Genetics (formerly Invitae), Labcorp
Classification: Uncertain significance. Last evaluated: 2025-04-14. Review status: criteria provided, single submitter. Criteria: Invitae Variant Classification Sherloc (09022015). Collection method: clinical testing. Allele origin: germline.
Comment: This sequence change replaces phenylalanine, which is neutral and non-polar, with leucine, which is neutral and non-polar, at codon 349 of the HSD11B2 protein (p.Phe349Leu). This variant is not present in population databases (gnomAD no frequency). This variant has not been reported in the literature in individuals affected with HSD11B2-related conditions. ClinVar contains an entry for this variant (Variation ID: 2801573). An algorithm developed to predict the effect of missense changes on protein structure and function (PolyPhen-2) suggests that this variant is likely to be disruptive. In summary, the available evidence is currently insufficient to determine the role of this variant in disease. Therefore, it has been classified as a Variant of Uncertain Significance.

NM_000196.4(HSD11B2):c.1045T>C (p.Phe349Leu)

Gene: HSD11B2 (hydroxysteroid 11-beta dehydrogenase 2; plus strand). Cytogenetic location: 16q22.1.
Variant type: single nucleotide variant.
Coding change: c.1045T>C on transcript NM_000196.4 (MANE Select); coding-DNA position 1045, T replaced by C.
Protein change: p.Phe349Leu; replaces phenylalanine 349 with leucine.
Molecular consequence: missense variant.
Genome position (GRCh38, 1-based): chr16:67,436,830, T>C. VCF-style: chr16-67436830-T-C. GRCh37 (hg19) VCF-style: chr16-67470733-T-C.
Other names: short protein forms F349L.
Identifiers: ClinVar variation 2801573 (VCV002801573.3), dbSNP rs2508610018, ClinGen allele CA396284210.